The following is an entry in ClinVar:

NM_001082538.3(TCTN1):c.472+96T>C

Gene: TCTN1 (tectonic family member 1; plus strand). Cytogenetic location: 12q24.11.
Variant type: single nucleotide variant.
Coding change: c.472+96T>C on transcript NM_001082538.3 (MANE Select); 96 bases into the intron after coding-DNA position 472, T replaced by C.
Molecular consequence: intron variant.
Genome position (GRCh38, 1-based): chr12:110,626,588, T>C. VCF-style: chr12-110626588-T-C. GRCh37 (hg19) VCF-style: chr12-111064393-T-C.
Other names: c.304+96T>C (NM_001173975.3, NM_001319682.3); c.292+96T>C (NM_001173976.2); c.-236+96T>C (NM_001319681.2); c.472+96T>C (NM_024549.6, NM_001082537.3, NM_001319680.2).
Identifiers: ClinVar variation 675107 (VCV000675107.2), dbSNP rs148873828, ClinGen allele CA243557856.

ClinVar aggregate classification (germline): Likely benign. Review status: criteria provided, multiple submitters, no conflicts (2 of 4 stars). 2 submissions from 2 submitters: Likely benign (2). Last evaluated 2018-06-19.

Allele frequency attached by ClinVar (database versions not stated): 1000 Genomes Project 0.00359; 1000 Genomes Project 30x 0.00359; TOPMed 0.00626; gnomAD 0.00715 and 0.00720; gnomAD exomes 0.00932.
gnomAD v4.1: 12,030 of 1,342,226 alleles (0.9%); highest among the groups gnomAD compares: Non-Finnish European, 1%; 56 homozygotes.

Submissions (2):

GeneDx
Classification: Likely benign. Last evaluated: 2018-06-19. Review status: criteria provided, single submitter. Criteria: GeneDx Variant Classification (06012015). Collection method: clinical testing. Allele origin: germline. Affected: yes.
Comment: This variant is considered likely benign or benign based on one or more of the following criteria: it is a conservative change, it occurs at a poorly conserved position in the protein, it is predicted to be benign by multiple in silico algorithms, and/or has population frequency not consistent with disease.

Breakthrough Genomics
Classification: Likely benign. Review status: criteria provided, single submitter. Criteria: ACMG Guidelines, 2015. Collection method: not provided. Allele origin: germline. Inheritance: Autosomal recessive inheritance. Affected: yes.